The following is an entry in ClinVar:

NM_007327.4(GRIN1):c.935_940dup (p.Asn313_Ile314insThrAsn)

Gene: GRIN1 (glutamate ionotropic receptor NMDA type subunit 1; plus strand). Cytogenetic location: 9q34.3.
Variant type: Duplication.
Coding change: c.935_940dup on transcript NM_007327.4 (MANE Select); coding-DNA positions 935 to 940, 6 bases duplicated (CCAACA; older notation c.935_940dupCCAACA).
Protein change: p.Asn313_Ile314insThrAsn.
Molecular consequence: inframe insertion.
Genome position (GRCh38, 1-based): chr9:137,157,004-137,157,009, CCAACA duplicated; duplicating any 6 consecutive bases within chr9:137,156,999-137,157,009 gives the same sequence; the c. name uses the placement nearest the transcript's 3' end. VCF-style (leftmost placement, unchanged base first): chr9-137156998-G-GCAACAC. GRCh37 (hg19) VCF-style: chr9-140051450-G-GCAACAC.
Other names: c.935_940dup, p.Asn313_Ile314insThrAsn (NM_000832.7, NM_021569.4); c.998_1003dup, p.Asn334_Ile335insThrAsn (NM_001185090.2, NM_001185091.2).
Identifiers: ClinVar variation 2416275 (VCV002416275.8), dbSNP rs1337387219, ClinGen allele CA591372591.

ClinVar aggregate classification (germline): Uncertain significance (1 of 4 stars; one submission).

Conditions:
Neurodevelopmental disorder with or without hyperkinetic movements and seizures, autosomal dominant. Also called: Intellectual disability, autosomal dominant 8. Identifiers: MedGen C3280282, MONDO:0013655, OMIM 614254.

Submission:

Labcorp Genetics (formerly Invitae), Labcorp
Classification: Uncertain significance for Neurodevelopmental disorder with or without hyperkinetic movements and seizures, autosomal dominant. Last evaluated: 2022-11-15. Review status: criteria provided, single submitter. Criteria: Invitae Variant Classification Sherloc (09022015). Collection method: clinical testing. Allele origin: germline.
Comment: In summary, the available evidence is currently insufficient to determine the role of this variant in disease. Therefore, it has been classified as a Variant of Uncertain Significance. This variant has not been reported in the literature in individuals affected with GRIN1-related conditions. This variant is present in population databases (no rsID available, gnomAD 0.001%). This variant, c.935_940dup, results in the insertion of 2 amino acid(s) of the GRIN1 protein (p.Thr312_Asn313dup), but otherwise preserves the integrity of the reading frame.